The following is an entry in ClinVar:

ClinVar aggregate classification (germline): Benign/Likely benign. Review status: criteria provided, multiple submitters, no conflicts (2 of 4 stars). 3 submissions from 3 submitters: Benign (1); Likely benign (2). Last evaluated 2026-01-18.

Conditions:
Congenital muscular dystrophy due to integrin alpha-7 deficiency. Also called: Congenital muscular dystrophy with integrin alpha-7 deficiency; Muscular dystrophy, congenital, due to ITGA7 deficiency; MYOPATHY, CONGENITAL, DUE TO INTEGRIN ALPHA-7 DEFICIENCY. Identifiers: Orphanet 34520, MedGen C2750786, MONDO:0013177, OMIM 613204.

Allele frequency attached by ClinVar (database versions not stated): gnomAD exomes 0.00071; ExAC 0.00147; gnomAD 0.00308 and 0.00322; ESP Exome Variant Server 0.00331; TOPMed 0.00343; 1000 Genomes Project 0.00439; 1000 Genomes Project 30x 0.00562.
gnomAD v4.1: 940 of 1,589,938 alleles (0.059%); highest among the groups gnomAD compares: African/African-American, 1.1%; 7 homozygotes.

Submissions (3):

Labcorp Genetics (formerly Invitae), Labcorp
Classification: Benign for Congenital muscular dystrophy due to integrin alpha-7 deficiency. Last evaluated: 2026-01-18. Review status: criteria provided, single submitter. Criteria: Invitae Variant Classification Sherloc (09022015). Collection method: clinical testing. Allele origin: germline.

Blueprint Genetics
Classification: Likely benign. Last evaluated: 2024-06-24. Review status: criteria provided, single submitter. Criteria: ACMG Guidelines, 2015. Collection method: clinical testing. Allele origin: germline.

GeneDx
Classification: Likely benign. Last evaluated: 2017-04-10. Review status: criteria provided, single submitter. Criteria: GeneDx Variant Classification (06012015). Collection method: clinical testing. Allele origin: germline. Affected: yes.
Comment: This variant is considered likely benign or benign based on one or more of the following criteria: it is a conservative change, it occurs at a poorly conserved position in the protein, it is predicted to be benign by multiple in silico algorithms, and/or has population frequency not consistent with disease.

NM_002206.3(ITGA7):c.1506-14C>T

Gene: ITGA7 (integrin subunit alpha 7; minus strand). Cytogenetic location: 12q13.2.
Variant type: single nucleotide variant.
Coding change: c.1506-14C>T on transcript NM_002206.3 (MANE Select); 14 bases into the intron before coding-DNA position 1506, C replaced by T.
Molecular consequence: intron variant.
Genome position (GRCh38, 1-based): chr12:55,697,291, G>A on the plus strand (C>T on the coding strand, the complement: ITGA7 is on the minus strand). VCF-style: chr12-55697291-G-A. GRCh37 (hg19) VCF-style: chr12-56091075-G-A.
Other names: c.1227-14C>T (NM_001144997.2); c.1179-14C>T (NM_001367993.1); c.1167-14C>T (NM_001414035.1); c.1323-14C>T (NM_001414033.1); c.162-14C>T (NM_001367994.1); c.1386-14C>T (NM_001414032.1); c.1419-14C>T (NM_001414031.1); c.1506-14C>T (NM_001374465.1, NM_001414034.1); and 3 more.
Identifiers: ClinVar variation 309792 (VCV000309792.16), dbSNP rs148374832, ClinGen allele CA6615929.